The following is an entry in ClinVar:

ClinVar aggregate classification (germline): Uncertain significance (1 of 4 stars; one submission).

Conditions:
Leber congenital amaurosis 3 (LCA3). Also called: SPATA7-Related Retinitis Pigmentosa. Identifiers: MedGen C1858677, MONDO:0011415, OMIM 604232.

Allele frequency attached by ClinVar (database versions not stated): ExAC 0.00001; gnomAD 0.00001; gnomAD exomes 0.00001; ESP Exome Variant Server 0.00008.
gnomAD v4.1: 4 of 1,614,054 alleles (0.00025%); highest among the groups gnomAD compares: Non-Finnish European, 0.00034%; no homozygotes.

Submission:

Labcorp Genetics (formerly Invitae), Labcorp
Classification: Uncertain significance for Leber congenital amaurosis 3. Last evaluated: 2025-03-17. Review status: criteria provided, single submitter. Criteria: Invitae Variant Classification Sherloc (09022015). Collection method: clinical testing. Allele origin: germline.
Comment: This sequence change replaces aspartic acid, which is acidic and polar, with tyrosine, which is neutral and polar, at codon 224 of the SPATA7 protein (p.Asp224Tyr). This variant is present in population databases (rs139160202, gnomAD 0.0009%). This variant has not been reported in the literature in individuals affected with SPATA7-related conditions. ClinVar contains an entry for this variant (Variation ID: 2175993). Invitae Evidence Modeling of protein sequence and biophysical properties (such as structural, functional, and spatial information, amino acid conservation, physicochemical variation, residue mobility, and thermodynamic stability) indicates that this missense variant is expected to disrupt SPATA7 protein function with a positive predictive value of 80%. In summary, the available evidence is currently insufficient to determine the role of this variant in disease. Therefore, it has been classified as a Variant of Uncertain Significance.

NM_018418.5(SPATA7):c.670G>T (p.Asp224Tyr)

Gene: SPATA7 (spermatogenesis associated 7; plus strand). Cytogenetic location: 14q31.3.
Variant type: single nucleotide variant.
Coding change: c.670G>T on transcript NM_018418.5 (MANE Select); coding-DNA position 670, G replaced by T.
Protein change: p.Asp224Tyr; replaces aspartic acid 224 with tyrosine.
Molecular consequence: missense variant.
Genome position (GRCh38, 1-based): chr14:88,426,529, G>T. VCF-style: chr14-88426529-G-T. GRCh37 (hg19) VCF-style: chr14-88892873-G-T.
Other names: c.574G>T, p.Asp192Tyr (NM_001040428.4); short protein forms D224Y, D192Y.
Identifiers: ClinVar variation 2175993 (VCV002175993.4), dbSNP rs139160202, ClinGen allele CA7298571.